The following is an entry in ClinVar:

NM_006015.6(ARID1A):c.1303C>G (p.Gln435Glu)

Gene: ARID1A (AT-rich interaction domain 1A; plus strand). Cytogenetic location: 1p36.11.
Variant type: single nucleotide variant.
Coding change: c.1303C>G on transcript NM_006015.6 (MANE Select); coding-DNA position 1303, C replaced by G.
Protein change: p.Gln435Glu; replaces glutamine 435 with glutamic acid.
Molecular consequence: missense variant.
Genome position (GRCh38, 1-based): chr1:26,729,816, C>G. VCF-style: chr1-26729816-C-G. GRCh37 (hg19) VCF-style: chr1-27056307-C-G.
Other names: c.1303C>G, p.Gln435Glu (NM_139135.4); short protein forms Q435E.
Identifiers: ClinVar variation 4086747 (VCV004086747.1).

ClinVar aggregate classification (germline): Uncertain significance (1 of 4 stars; one submission).

Submission:

GeneDx
Classification: Uncertain significance. Last evaluated: 2025-03-18. Review status: criteria provided, single submitter. Criteria: GeneDx Variant Classification Process June 2021. Collection method: clinical testing. Allele origin: germline. Affected: yes.
Comment: Not observed at significant frequency in large population cohorts (gnomAD); In silico analysis supports that this missense variant has a deleterious effect on protein structure/function; Has not been previously published as pathogenic or benign to our knowledge